The following is an entry in ClinVar:

ClinVar aggregate classification (germline): Conflicting classifications of pathogenicity. Review status: criteria provided, conflicting classifications (1 of 4 stars). 2 submissions from 2 submitters: Uncertain significance (1); Likely benign (1). Last evaluated 2024-10-12.

Allele frequency attached by ClinVar (database versions not stated): ExAC 0.00001; gnomAD exomes 0.00001; TOPMed 0.00007; ESP Exome Variant Server 0.00008.
gnomAD v4.1: 14 of 1,612,160 alleles (0.00087%); highest among the groups gnomAD compares: African/African-American, 0.017%; no homozygotes.

Submissions (2):

Labcorp Genetics (formerly Invitae), Labcorp
Classification: Uncertain significance. Last evaluated: 2024-10-12. Review status: criteria provided, single submitter. Criteria: Invitae Variant Classification Sherloc (09022015). Collection method: clinical testing. Allele origin: germline.
Comment: This sequence change replaces histidine, which is basic and polar, with arginine, which is basic and polar, at codon 185 of the LIPC protein (p.His185Arg). This variant is present in population databases (rs375429385, gnomAD 0.02%). This missense change has been observed in individual(s) with LIPC-related conditions (PMID: 36325899). ClinVar contains an entry for this variant (Variation ID: 2405496). An algorithm developed to predict the effect of missense changes on protein structure and function outputs the following: PolyPhen-2: "Benign". The arginine amino acid residue is found in multiple mammalian species, which suggests that this missense change does not adversely affect protein function. In summary, the available evidence is currently insufficient to determine the role of this variant in disease. Therefore, it has been classified as a Variant of Uncertain Significance.

Ambry Genetics
Classification: Likely benign. Last evaluated: 2021-08-09. Review status: criteria provided, single submitter. Criteria: Ambry Variant Classification Scheme 2023. Collection method: clinical testing. Allele origin: germline.

Literature cited by the submitters: PubMed 36325899 (cited by Labcorp Genetics (formerly Invitae), Labcorp).

NM_000236.3(LIPC):c.554A>G (p.His185Arg)

Gene: LIPC (lipase C, hepatic type; plus strand). Cytogenetic location: 15q21.3.
Variant type: single nucleotide variant.
Coding change: c.554A>G on transcript NM_000236.3 (MANE Select); coding-DNA position 554, A replaced by G.
Protein change: p.His185Arg; replaces histidine 185 with arginine.
Molecular consequence: missense variant.
Genome position (GRCh38, 1-based): chr15:58,542,631, A>G. VCF-style: chr15-58542631-A-G. GRCh37 (hg19) VCF-style: chr15-58834830-A-G.
Other names: short protein forms H185R.
Identifiers: ClinVar variation 2405496 (VCV002405496.4), dbSNP rs375429385, ClinGen allele CA7584901.